The following is an entry in ClinVar:

ClinVar aggregate classification (germline): Benign/Likely benign. Review status: criteria provided, multiple submitters, no conflicts (2 of 4 stars). 16 submissions from 16 submitters: Benign (10); Likely benign (2). 4 of the submissions do not count toward it. Last evaluated 2026-02-03.

Conditions:
CSRP3-related disorder. Also called: CSRP3-related condition; CSRP3-related disorders.
Cardiovascular phenotype. Identifiers: MedGen CN230736.
Hypertrophic cardiomyopathy 12. Identifiers: MedGen C2677491, MONDO:0012804, OMIM 612124.
Dilated cardiomyopathy 1M (CMD1M). Identifiers: Orphanet 154, MedGen C1843808, MONDO:0011840, OMIM 607482.
Cardiomyopathy (CMYO). Also called: Cardiomyopathies. Identifiers: Orphanet 167848, MedGen C0878544, MONDO:0004994, HP:0001638. Inheritance: Various modes of inheritance.

Allele frequency attached by ClinVar (database versions not stated): gnomAD exomes 0.00160 and 0.00374; ExAC 0.00474; 1000 Genomes Project 0.01358; 1000 Genomes Project 30x 0.01483; gnomAD 0.01592 and 0.01721; TOPMed 0.01781; ESP Exome Variant Server 0.01987.
gnomAD v4.1: 4,876 of 1,614,196 alleles (0.3%); highest among the groups gnomAD compares: African/African-American, 5.6%; 123 homozygotes.

Submissions (16):

Labcorp Genetics (formerly Invitae), Labcorp
Classification: Benign for Hypertrophic cardiomyopathy 12; Dilated cardiomyopathy 1M. Last evaluated: 2026-02-03. Review status: criteria provided, single submitter. Criteria: Invitae Variant Classification Sherloc (09022015). Collection method: clinical testing. Allele origin: germline.

ARUP Laboratories, Molecular Genetics and Genomics, ARUP Laboratories
Classification: Benign. Last evaluated: 2025-07-01. Review status: criteria provided, single submitter. Criteria: ARUP Molecular Germline Variant Investigation Process 2024. Collection method: clinical testing. Allele origin: germline.

Molecular Diagnostic Laboratory for Inherited Cardiovascular Disease, Montreal Heart Institute
Classification: Benign. Last evaluated: 2025-04-09. Review status: criteria provided, single submitter. Criteria: ACMG Guidelines, 2015. Collection method: clinical testing. Allele origin: germline. Affected: no.

Fulgent Genetics
Classification: Benign for Dilated cardiomyopathy 1M; Hypertrophic cardiomyopathy 12. Last evaluated: 2021-09-20. Review status: criteria provided, single submitter. Criteria: ACMG Guidelines, 2015. Collection method: clinical testing. Allele origin: unknown.

Illumina Laboratory Services, Illumina
Classification: Likely benign for Hypertrophic cardiomyopathy 12. Last evaluated: 2018-01-13. Review status: criteria provided, single submitter. Criteria: ICSL Variant Classification Criteria 13 December 2019. Collection method: clinical testing. Allele origin: germline.
Comment: This variant was observed in the ICSL laboratory as part of a predisposition screen in an ostensibly healthy population. It had not been previously curated by ICSL or reported in the Human Gene Mutation Database (HGMD: prior to June 1st, 2018), and was therefore a candidate for classification through an automated scoring system. Utilizing variant allele frequency, disease prevalence and penetrance estimates, and inheritance mode, an automated score was calculated to assess if this variant is too frequent to cause the disease. Based on the score and internal cut-off values, a variant classified as likely benign is not then subjected to further curation. The score for this variant resulted in a classification of likely benign for this disease.

Women's Health and Genetics/Laboratory Corporation of America, LabCorp
Classification: Benign. Last evaluated: 2017-06-26. Review status: criteria provided, single submitter. Criteria: LabCorp Variant Classification Summary - May 2015. Collection method: clinical testing. Allele origin: germline.
Comment: Variant summary: The CSRP3 c.312C>G (p.Thr104Thr) variant involves the alteration of a non-conserved nucleotide, resulting in a synonymous change. One in silico tool predicts a damaging outcome for this variant. 4/5 splice prediction tools predict no significant impact on normal splicing. ESE finder predicts that this variant may affect ESE sites. However, these predictions have yet to be confirmed by functional studies. This variant was found in 575/121406 control chromosomes (13 homozygotes), predominantly observed in the African subpopulation at a frequency of 0.051989 (541/10406). This frequency is about 2080 times the estimated maximal expected allele frequency of a pathogenic CSRP3 variant (0.000025), suggesting this is likely a benign polymorphism found primarily in the populations of African origin. In addition, multiple clinical diagnostic laboratories/reputable databases classified this variant as benign. The variant of interest has not, to our knowledge, been reported in affected individuals via publications; nor evaluated for functional impact by in vivo/vitro studies. Taken together, this variant is classified as benign.

Mayo Clinic Laboratories, Mayo Clinic
Classification: Benign. Last evaluated: 2016-02-19. Review status: criteria provided, single submitter. Criteria: ACMG Guidelines, 2015. Collection method: clinical testing. Allele origin: germline. Observed: 26 variant alleles.

CHEO Genetics Diagnostic Laboratory, Children's Hospital of Eastern Ontario
Classification: Benign for Cardiomyopathy. Last evaluated: 2015-12-03. Review status: criteria provided, single submitter. Criteria: ACMG Guidelines, 2015. Collection method: clinical testing. Allele origin: germline. Study: Canadian Open Genetics Repository.

Ambry Genetics
Classification: Benign for Cardiovascular phenotype. Last evaluated: 2015-06-26. Review status: criteria provided, single submitter. Criteria: Ambry Variant Classification Scheme 2023. Collection method: clinical testing. Allele origin: germline.

GeneDx
Classification: Benign. Last evaluated: 2013-04-26. Review status: criteria provided, single submitter. Criteria: GeneDx Variant Classification (06012015). Collection method: clinical testing. Allele origin: germline. Affected: yes.
Comment: This variant is considered likely benign or benign based on one or more of the following criteria: it is a conservative change, it occurs at a poorly conserved position in the protein, it is predicted to be benign by multiple in silico algorithms, and/or has population frequency not consistent with disease.

Laboratory for Molecular Medicine, Mass General Brigham Personalized Medicine
Classification: Benign. Last evaluated: 2009-09-09. Review status: criteria provided, single submitter. Criteria: LMM Criteria. Collection method: clinical testing. Allele origin: germline. Observed: 58 variant alleles.

Breakthrough Genomics
Classification: Likely benign. Review status: criteria provided, single submitter. Criteria: ACMG Guidelines, 2015. Collection method: not provided. Allele origin: germline. Inheritance: Autosomal dominant inheritance. Affected: yes.

PreventionGenetics, part of Exact Sciences
Classification: Benign for CSRP3-related condition. Last evaluated: 2019-08-12. Review status: no assertion criteria provided. Collection method: clinical testing. Allele origin: germline. Not counted in ClinVar's aggregate classification.
Comment: This variant is classified as benign based on ACMG/AMP sequence variant interpretation guidelines (Richards et al. 2015 PMID: 25741868, with internal and published modifications).

Clinical Genetics, Academic Medical Center
Classification: Benign. Review status: no assertion criteria provided. Collection method: clinical testing. Allele origin: germline. Affected: yes. Study: VKGL Data-share Consensus. Not counted in ClinVar's aggregate classification.

Diagnostic Laboratory, Department of Genetics, University Medical Center Groningen
Classification: Likely benign. Review status: no assertion criteria provided. Collection method: clinical testing. Allele origin: germline. Affected: yes. Study: VKGL Data-share Consensus. Not counted in ClinVar's aggregate classification.

Joint Genome Diagnostic Labs from Nijmegen and Maastricht, Radboudumc and MUMC+
Classification: Benign. Review status: no assertion criteria provided. Collection method: clinical testing. Allele origin: germline. Affected: yes. Study: VKGL Data-share Consensus. Not counted in ClinVar's aggregate classification.

NM_003476.5(CSRP3):c.312C>G (p.Thr104=)

Gene: CSRP3 (cysteine and glycine rich protein 3; minus strand). Cytogenetic location: 11p15.1.
Variant type: single nucleotide variant.
Coding change: c.312C>G on transcript NM_003476.5 (MANE Select); coding-DNA position 312, C replaced by G.
Protein change: p.Thr104=; no amino-acid change (threonine 104 retained).
Molecular consequence: synonymous variant. On other transcripts: missense variant (1).
Genome position (GRCh38, 1-based): chr11:19,186,318, G>C on the plus strand (C>G on the coding strand, the complement: CSRP3 is on the minus strand). VCF-style: chr11-19186318-G-C. GRCh37 (hg19) VCF-style: chr11-19207865-G-C.
Other names: p.T104T:ACC>ACG; p.Thr104=; c.143C>G, p.Pro48Arg (NM_001369404.1); short protein forms P48R.
Identifiers: ClinVar variation 44695 (VCV000044695.46), dbSNP rs45582433, ClinGen allele CA134894.
Genomic context (GRCh38, chr11:19,186,318, plus strand): 5'-GCCACATCGAGGGCACTTCTCGGACTCTCCAAACTTCGCAGTGAATTTGGAAGGGTTGCT[G>C]GTGGTAACTGAGCGTGCCGGCTTTGGGGACCTGTTGGAAATAGACGAATGAATGAAACGT-3'
Protein context (NP_003467.1, residues 94-114): QSPKPARSVT[Thr104=]SNPSKFTAKF